The following is an entry in ClinVar:

ClinVar aggregate classification (germline): Conflicting classifications of pathogenicity. Review status: criteria provided, conflicting classifications (1 of 4 stars). 3 submissions from 3 submitters: Uncertain significance (1); Likely benign (2). Last evaluated 2025-03-04.

Conditions:
Usher syndrome type 2C. Also called: USHER SYNDROME, TYPE IIC; Usher syndrome, type 2B. Identifiers: Orphanet 231178, Orphanet 886, MedGen C2931213, MONDO:0011558, OMIM 605472.

Allele frequency attached by ClinVar (database versions not stated): gnomAD 0.00001; gnomAD exomes 0.00002; ExAC 0.00003; TOPMed 0.00004; ESP Exome Variant Server 0.00008.
gnomAD v4.1: 25 of 1,600,372 alleles (0.0016%); highest among the groups gnomAD compares: Admixed American, 0.0034%; no homozygotes.

Submissions (3):

Labcorp Genetics (formerly Invitae), Labcorp
Classification: Likely benign. Last evaluated: 2025-03-04. Review status: criteria provided, single submitter. Criteria: Invitae Variant Classification Sherloc (09022015). Collection method: clinical testing. Allele origin: germline.

GeneDx
Classification: Likely benign. Last evaluated: 2018-05-31. Review status: criteria provided, single submitter. Criteria: GeneDx Variant Classification (06012015). Collection method: clinical testing. Allele origin: germline. Affected: yes.
Comment: This variant is considered likely benign or benign based on one or more of the following criteria: it is a conservative change, it occurs at a poorly conserved position in the protein, it is predicted to be benign by multiple in silico algorithms, and/or has population frequency not consistent with disease.

Illumina Laboratory Services, Illumina
Classification: Uncertain significance for Usher syndrome type 2C. Last evaluated: 2018-01-13. Review status: criteria provided, single submitter. Criteria: ICSL Variant Classification Criteria 13 December 2019. Collection method: clinical testing. Allele origin: germline.

NM_032119.4(ADGRV1):c.13227C>T (p.Phe4409=)

Gene: ADGRV1 (adhesion G protein-coupled receptor V1; plus strand). Cytogenetic location: 5q14.3.
Variant type: single nucleotide variant.
Coding change: c.13227C>T on transcript NM_032119.4 (MANE Select); coding-DNA position 13227, C replaced by T.
Protein change: p.Phe4409=; no amino-acid change (phenylalanine 4409 retained).
Molecular consequence: synonymous variant. On other transcripts: non-coding transcript variant (1).
Genome position (GRCh38, 1-based): chr5:90,781,574, C>T. VCF-style: chr5-90781574-C-T. GRCh37 (hg19) VCF-style: chr5-90077391-C-T.
Identifiers: ClinVar variation 669244 (VCV000669244.8), dbSNP rs368497021, ClinGen allele CA3341463.